The following is an entry in ClinVar:

ClinVar aggregate classification (germline): Likely pathogenic (1 of 4 stars; one submission).

Conditions:
Autoimmune enteropathy and endocrinopathy - susceptibility to chronic infections syndrome. Also called: Immunodeficiency 31C, autosomal dominant; Immunodeficiency 31C. Identifiers: Orphanet 391487, MedGen C3279990, MONDO:0013599, OMIM 614162.

gnomAD v4.1: 144 of 1,110,042 alleles (0.013%); highest among the groups gnomAD compares: Admixed American, 0.048%; no homozygotes.

Submission:

Laboratory of Clinical Immunology, Infection and Allergy, Faculty of Medicine and Pharmacy of Casablanca, University of Hassan II Casablanca
Classification: Likely pathogenic for Autoimmune enteropathy and endocrinopathy - susceptibility to chronic infections syndrome. Last evaluated: 2026-08-11. Review status: criteria provided, single submitter. Criteria: ACMG Guidelines, 2015. Collection method: clinical testing. Allele origin: germline. Affected: yes. Observed: 1 variant allele.
Comment: This variant lies within an intron of STAT1, 63 nucleotides downstream of the splice donor site, and therefore falls outside the canonical splice site. It is absent from population databases, including gnomAD (PM2). To our knowledge the variant has not been reported previously. Deep intronic variants are poorly captured by standard splice prediction algorithms and computational support is accordingly limited (CADD 15.0), and RNA studies to confirm an effect on splicing have not been performed. In summary, on the basis of PM2 and PP4, together with the absence of an alternative molecular diagnosis in a phenotypically characteristic individual, this variant is classified as Likely pathogenic. The classification will be reviewed if RNA or functional data become available.

NM_007315.4(STAT1):c.541+63C>T

Gene: STAT1 (signal transducer and activator of transcription 1; minus strand). Cytogenetic location: 2q32.2.
Variant type: single nucleotide variant.
Coding change: c.541+63C>T on transcript NM_007315.4 (MANE Select); 63 bases into the intron after coding-DNA position 541, C replaced by T.
Molecular consequence: intron variant.
Genome position (GRCh38, 1-based): chr2:190,999,563, G>A on the plus strand (C>T on the coding strand, the complement: STAT1 is on the minus strand). VCF-style: chr2-190999563-G-A. GRCh37 (hg19) VCF-style: chr2-191864289-G-A.
Other names: c.541+63C>T (NM_001437284.1, NM_001384885.1, NM_001384887.1 and 6 more transcripts); c.451+63C>T (NM_001384890.1); c.534+63C>T (NM_001384883.1); c.577+63C>T (NM_001384891.1); c.547+63C>T (NM_001384884.1, NM_001384881.1).
Identifiers: ClinVar variation 4884323 (VCV004884323.1).